The following is an entry in ClinVar:

ClinVar aggregate classification (germline): Conflicting classifications of pathogenicity. Review status: criteria provided, conflicting classifications (1 of 4 stars). 8 submissions from 8 submitters: Uncertain significance (1); Benign (2); Likely benign (3). 2 of the submissions do not count toward it. Last evaluated 2026-02-04.

Conditions:
Connective tissue disorder. Also called: Connective tissue disease. Identifiers: MedGen C0009782, MONDO:0003900.
Inborn genetic diseases. Identifiers: MedGen C0950123, MeSH D030342.

Allele frequency attached by ClinVar (database versions not stated): ESP Exome Variant Server 0.00139; 1000 Genomes Project 30x 0.00156; 1000 Genomes Project 0.00160; TOPMed 0.00233; gnomAD 0.00300 and 0.00302; gnomAD exomes 0.00312; ExAC 0.00490.
gnomAD v4.1: 5,649 of 1,589,108 alleles (0.36%); highest among the groups gnomAD compares: Non-Finnish European, 0.39%; 16 homozygotes.

Submissions (8):

Labcorp Genetics (formerly Invitae), Labcorp
Classification: Benign. Last evaluated: 2026-02-04. Review status: criteria provided, single submitter. Criteria: Invitae Variant Classification Sherloc (09022015). Collection method: clinical testing. Allele origin: germline.

Blueprint Genetics
Classification: Likely benign. Last evaluated: 2024-11-22. Review status: criteria provided, single submitter. Criteria: ACMG Guidelines, 2015. Collection method: clinical testing. Allele origin: germline.

Ambry Genetics
Classification: Uncertain significance for Inborn genetic diseases. Last evaluated: 2024-11-10. Review status: criteria provided, single submitter. Criteria: Ambry Variant Classification Scheme 2023. Collection method: clinical testing. Allele origin: germline.

Genome Diagnostics Laboratory, The Hospital for Sick Children
Classification: Benign for Connective tissue disorder. Last evaluated: 2022-05-19. Review status: criteria provided, single submitter. Criteria: ACMG Guidelines, 2015. Collection method: clinical testing. Allele origin: germline.

GeneDx
Classification: Likely benign. Last evaluated: 2017-08-07. Review status: criteria provided, single submitter. Criteria: GeneDx Variant Classification (06012015). Collection method: clinical testing. Allele origin: germline. Affected: yes.
Comment: This variant is considered likely benign or benign based on one or more of the following criteria: it is a conservative change, it occurs at a poorly conserved position in the protein, it is predicted to be benign by multiple in silico algorithms, and/or has population frequency not consistent with disease.

Breakthrough Genomics
Classification: Likely benign. Review status: criteria provided, single submitter. Criteria: ACMG Guidelines, 2015. Collection method: not provided. Allele origin: germline. Inheritance: Autosomal recessive inheritance. Affected: yes.

Clinical Genetics DNA and cytogenetics Diagnostics Lab, Erasmus MC, Erasmus Medical Center
Classification: Likely benign. Review status: no assertion criteria provided. Collection method: clinical testing. Allele origin: germline. Affected: yes. Study: VKGL Data-share Consensus. Not counted in ClinVar's aggregate classification.

Laboratory of Diagnostic Genome Analysis, Leiden University Medical Center (LUMC)
Classification: Likely benign. Review status: no assertion criteria provided. Collection method: clinical testing. Allele origin: germline. Affected: yes. Study: VKGL Data-share Consensus. Not counted in ClinVar's aggregate classification.

NM_001189.4(NKX3-2):c.323C>G (p.Ala108Gly)

Gene: NKX3-2 (NK3 homeobox 2; minus strand). Cytogenetic location: 4p15.33.
Variant type: single nucleotide variant.
Coding change: c.323C>G on transcript NM_001189.4 (MANE Select); coding-DNA position 323, C replaced by G.
Protein change: p.Ala108Gly; replaces alanine 108 with glycine.
Molecular consequence: missense variant.
Genome position (GRCh38, 1-based): chr4:13,544,092, G>C on the plus strand (C>G on the coding strand, the complement: NKX3-2 is on the minus strand). VCF-style: chr4-13544092-G-C. GRCh37 (hg19) VCF-style: chr4-13545716-G-C.
Other names: short protein forms A108G.
Identifiers: ClinVar variation 516400 (VCV000516400.18), dbSNP rs202191746, ClinGen allele CA2860422.